The following is an entry in ClinVar:

NM_000038.6(APC):c.3121C>T (p.Gln1041Ter)

Gene: APC (APC regulator of Wnt signaling pathway; plus strand). Cytogenetic location: 5q22.2.
Variant type: single nucleotide variant.
Coding change: c.3121C>T on transcript NM_000038.6 (MANE Select); coding-DNA position 3121, C replaced by T.
Protein change: p.Gln1041Ter; replaces glutamine 1041 with a stop codon.
Molecular consequence: nonsense.
Genome position (GRCh38, 1-based): chr5:112,838,715, C>T. VCF-style: chr5-112838715-C-T. GRCh37 (hg19) VCF-style: chr5-112174412-C-T.
Other names: c.3121C>T, p.Gln1041Ter (NM_001127510.3, NM_001354895.2); c.3067C>T, p.Gln1023Ter (NM_001127511.3); c.3175C>T, p.Gln1059Ter (NM_001354896.2); c.3151C>T, p.Gln1051Ter (NM_001354897.2); c.3046C>T, p.Gln1016Ter (NM_001354898.2); c.3037C>T, p.Gln1013Ter (NM_001354899.2); c.2998C>T, p.Gln1000Ter (NM_001354900.2); c.2944C>T, p.Gln982Ter (NM_001354901.2); and 5 more; short protein forms Q1059*, Q758*, Q915*, Q1000*, Q1051*, Q940*, Q950*, Q1016*.
Identifiers: ClinVar variation 822934 (VCV000822934.7), dbSNP rs1580631181, ClinGen allele CA16028172.

ClinVar aggregate classification (germline): Pathogenic. Review status: criteria provided, multiple submitters, no conflicts (2 of 4 stars). 3 submissions from 3 submitters: Pathogenic (3). Last evaluated 2025-05-21.

Conditions:
Familial adenomatous polyposis 1 (FAP1). Also called: FAMILIAL ADENOMATOUS POLYPOSIS 1, ATTENUATED; POLYPOSIS, ADENOMATOUS INTESTINAL. Identifiers: MedGen C2713442, MONDO:0021056, OMIM 175100. Disease mechanism: loss of function.
Hereditary cancer-predisposing syndrome. Also called: Tumor predisposition; Hereditary Cancer Syndrome; Neoplastic Syndromes, Hereditary; Hereditary neoplastic syndrome. Identifiers: Orphanet 140162, MedGen C0027672, MeSH D009386, MONDO:0015356.

Submissions (3):

Labcorp Genetics (formerly Invitae), Labcorp
Classification: Pathogenic for Familial adenomatous polyposis 1. Last evaluated: 2025-05-21. Review status: criteria provided, single submitter. Criteria: Invitae Variant Classification Sherloc (09022015). Collection method: clinical testing. Allele origin: germline.
Comment: This sequence change creates a premature translational stop signal (p.Gln1041*) in the APC gene. While this is not anticipated to result in nonsense mediated decay, it is expected to disrupt the last 1803 amino acid(s) of the APC protein. This variant is not present in population databases (gnomAD no frequency). This premature translational stop signal has been observed in individual(s) with familial adenomatous polyposis (PMID: 1338764, 30897307). ClinVar contains an entry for this variant (Variation ID: 822934). This variant is expected to disrupt the EB1 and HDLG binding sites, which mediate interactions with the cytoskeleton (PMID: 15311282, 17293347). While functional studies have not been performed to directly test the effect on APC protein function, this suggests that disruption of the C-terminal portion of the protein is functionally important. A different truncation (p.Tyr2645Lysfs*14) that lies downstream of this variant has been determined to be pathogenic (PMID: 9824584, 1316610, 27081525, 8381579, 22135120, internal data). This suggests that deletion of this region of the APC protein is causative of disease. For these reasons, this variant has been classified as Pathogenic.

Myriad Genetics, Inc.
Classification: Pathogenic for Familial adenomatous polyposis 1. Last evaluated: 2023-05-05. Review status: criteria provided, single submitter. Criteria: Myriad Autosomal Dominant, Autosomal Recessive and X-Linked Classification Criteria (2023). Collection method: clinical testing. Allele origin: unknown.
Comment: This variant is considered pathogenic. This variant creates a termination codon and is predicted to result in premature protein truncation.

Ambry Genetics
Classification: Pathogenic for Hereditary cancer-predisposing syndrome. Last evaluated: 2017-12-20. Review status: criteria provided, single submitter. Criteria: Ambry Variant Classification Scheme 2023. Collection method: clinical testing. Allele origin: germline.
Comment: The p.Q1041* pathogenic mutation (also known as c.3121C>T), located in coding exon 15 of the APC gene, results from a C to T substitution at nucleotide position 3121. This changes the amino acid from a glutamine to a stop codon within coding exon 15. This mutation has been identified in multiple unrelated patients with FAP or AFAP (Nagase H et al. Hum. Mutat. 1992;1:467-73; Miyaki M et al. Cancer Res. 1994 Jun;54:3011-20; Friedl W et al. Hered Cancer Clin Pract. 2005 Sep;3:95-114). In addition to the clinical data presented in the literature, this alteration is expected to result in loss of function by premature protein truncation or nonsense-mediated mRNA decay. As such, this alteration is interpreted as a disease-causing mutation.

Literature cited by the submitters: PubMed 1338764 (cited by Labcorp Genetics (formerly Invitae), Labcorp and Ambry Genetics); PubMed 30897307 (cited by Labcorp Genetics (formerly Invitae), Labcorp); PubMed 15311282 (cited by Labcorp Genetics (formerly Invitae), Labcorp); PubMed 17293347 (cited by Labcorp Genetics (formerly Invitae), Labcorp); PubMed 9824584 (cited by Labcorp Genetics (formerly Invitae), Labcorp); PubMed 1316610 (cited by Labcorp Genetics (formerly Invitae), Labcorp); PubMed 27081525 (cited by Labcorp Genetics (formerly Invitae), Labcorp); PubMed 8381579 (cited by Labcorp Genetics (formerly Invitae), Labcorp); PubMed 22135120 (cited by Labcorp Genetics (formerly Invitae), Labcorp); PubMed 20223039 (cited by Ambry Genetics); PubMed 8187091 (cited by Ambry Genetics).